The following is an entry in ClinVar:

ClinVar aggregate classification (germline): Conflicting classifications of pathogenicity. Review status: criteria provided, conflicting classifications (1 of 4 stars). 5 submissions from 5 submitters: Uncertain significance (4); Likely benign (1). Last evaluated 2026-01-26.

Conditions:
Cardiovascular phenotype. Identifiers: MedGen CN230736.
TAFAZZIN-related disorder. Also called: TAFAZZIN-Related Disorders; TAFAZZIN-related condition.
3-Methylglutaconic aciduria type 2 (BTHS). Also called: CARDIOSKELETAL MYOPATHY WITH NEUTROPENIA AND ABNORMAL MITOCHONDRIA; Barth syndrome. Identifiers: Orphanet 111, MedGen C0574083, MONDO:0010543, OMIM 302060.

Allele frequency attached by ClinVar (database versions not stated): gnomAD 0.00002; TOPMed 0.00002; gnomAD exomes 0.00003; ExAC 0.00004.
gnomAD v4.1: 33 of 1,207,481 alleles (0.0027%); highest among the groups gnomAD compares: Non-Finnish European, 0.0034%; no homozygotes.

Submissions (5):

Labcorp Genetics (formerly Invitae), Labcorp
Classification: Uncertain significance for 3-Methylglutaconic aciduria type 2. Last evaluated: 2026-01-26. Review status: criteria provided, single submitter. Criteria: Invitae Variant Classification Sherloc (09022015). Collection method: clinical testing. Allele origin: germline.
Comment: This sequence change replaces valine, which is neutral and non-polar, with glycine, which is neutral and non-polar, at codon 260 of the TAZ protein (p.Val260Gly). This variant is present in population databases (rs782746355, gnomAD 0.006%). This variant has not been reported in the literature in individuals affected with TAZ-related conditions. ClinVar contains an entry for this variant (Variation ID: 202097). Experimental studies and prediction algorithms are not available or were not evaluated, and the functional significance of this variant is currently unknown. Algorithms developed to predict the effect of sequence changes on RNA splicing suggest that this variant may disrupt the consensus splice site. In summary, the available evidence is currently insufficient to determine the role of this variant in disease. Therefore, it has been classified as a Variant of Uncertain Significance.

Ambry Genetics
Classification: Uncertain significance for Cardiovascular phenotype. Last evaluated: 2023-03-01. Review status: criteria provided, single submitter. Criteria: Ambry Variant Classification Scheme 2023. Collection method: clinical testing. Allele origin: germline.
Comment: The p.V260G variant (also known as c.779T>G), located in coding exon 11 of the TAZ gene, results from a T to G substitution at nucleotide position 779. The valine at codon 260 is replaced by glycine, an amino acid with dissimilar properties. Based on data from gnomAD, the G allele has an overall frequency of 0.0027% (5/182020) total alleles studied, with 1 hemizygote observed. The highest observed frequency was 0.0062% (5/80806) of European (non-Finnish) alleles. This amino acid position is not well conserved in available vertebrate species. In addition, the in silico prediction for this alteration is inconclusive. Since supporting evidence is limited at this time, the clinical significance of this alteration remains unclear.

PreventionGenetics, part of Exact Sciences
Classification: Uncertain significance for TAFAZZIN-related condition. Last evaluated: 2023-01-10. Review status: criteria provided, single submitter. Criteria: ACMG Guidelines, 2015. Collection method: clinical testing. Allele origin: germline.
Comment: The TAFAZZIN c.779T>G variant is predicted to result in the amino acid substitution p.Val260Gly. To our knowledge, this variant has not been reported in the literature. This variant is reported in 0.0062% of alleles in individuals of European (Non-Finnish) descent in gnomAD, including one hemizygous individual. At this time, the clinical significance of this variant is uncertain due to the absence of conclusive functional and genetic evidence.

Blueprint Genetics
Classification: Likely benign. Last evaluated: 2021-05-12. Review status: criteria provided, single submitter. Criteria: ACMG Guidelines, 2015. Collection method: clinical testing. Allele origin: germline.

GeneDx
Classification: Uncertain significance. Last evaluated: 2017-09-05. Review status: criteria provided, single submitter. Criteria: GeneDx Variant Classification (06012015). Collection method: clinical testing. Allele origin: germline. Affected: yes.
Comment: A variant of uncertain significance has been identified in the TAZ gene. The V260G variant is not observed at a significant frequency in large population cohorts (Lek et al., 2016; 1000 Genomes Consortium et al., 2015; Exome Variant Server). The V260G variant is a conservative amino acid substitution, which is not likely to impact secondary protein structure as these residues share similar properties. This substitution occurs at a position that is not conserved. Nevertheless, in silico analysis predicts this variant is probably damaging to the protein structure/function.

NM_000116.5(TAFAZZIN):c.779T>G (p.Val260Gly)

Gene: TAFAZZIN (tafazzin, phospholipid-lysophospholipid transacylase; plus strand). Cytogenetic location: Xq28.
Variant type: single nucleotide variant.
Coding change: c.779T>G on transcript NM_000116.5 (MANE Select); coding-DNA position 779, T replaced by G.
Protein change: p.Val260Gly; replaces valine 260 with glycine.
Molecular consequence: missense variant. On other transcripts: non-coding transcript variant (1).
Genome position (GRCh38, 1-based): chrX:154,420,904, T>G. VCF-style: chrX-154420904-T-G. GRCh37 (hg19) VCF-style: chrX-153649243-T-G.
Other names: p.V260G:GTG>GGG; c.791T>G, p.Val264Gly (NM_001303465.2); c.689T>G, p.Val230Gly (NM_181311.4); c.737T>G, p.Val246Gly (NM_181312.4); c.647T>G, p.Val216Gly (NM_181313.4); short protein forms V260G, V246G, V216G, V264G, V230G.
Identifiers: ClinVar variation 202097 (VCV000202097.12), dbSNP rs782746355, ClinGen allele CA308809.